The following is an entry in ClinVar:

NM_001379286.1(ZNF423):c.1390C>T (p.Leu464Phe)

Gene: ZNF423 (zinc finger protein 423; minus strand). Cytogenetic location: 16q12.1.
Variant type: single nucleotide variant.
Coding change: c.1390C>T on transcript NM_001379286.1 (MANE Select); coding-DNA position 1390, C replaced by T.
Protein change: p.Leu464Phe; replaces leucine 464 with phenylalanine.
Molecular consequence: missense variant.
Genome position (GRCh38, 1-based): chr16:49,637,786, G>A on the plus strand (C>T on the coding strand, the complement: ZNF423 is on the minus strand). VCF-style: chr16-49637786-G-A. GRCh37 (hg19) VCF-style: chr16-49671697-G-A.
Other names: c.1186C>T, p.Leu396Phe (NM_001271620.2); c.1015C>T, p.Leu339Phe (NM_001330533.2); c.1366C>T, p.Leu456Phe (NM_015069.5); short protein forms L339F, L396F, L464F, L456F.
Identifiers: ClinVar variation 1448798 (VCV001448798.5), dbSNP rs889768836, ClinGen allele CA281212740.
Genomic context (GRCh38, chr16:49,637,786, plus strand): 5'-TGCCAAACTGCATCACAGGGTAGGCATGGTTCTTGTGCAGCTTGCGAACGTGCTCGTTGA[G>A]GTTGTAGAGGGTGGGCATGGAGTCCAGGCAGATCTGACATGTGTGGCTCTGCTGGGGCTT-3'
Protein context (NP_001366215.1, residues 454-474): CLDSMPTLYN[Leu464Phe]NEHVRKLHKN

ClinVar aggregate classification (germline): Uncertain significance (1 of 4 stars; one submission).

Conditions:
Nephronophthisis 14 (NPHP14). Identifiers: Orphanet 2318, MedGen C3539071, MONDO:0013916, OMIM 614844.

Allele frequency attached by ClinVar (database versions not stated): gnomAD exomes below 0.00001; gnomAD 0.00001; TOPMed 0.00001.
gnomAD v4.1: 20 of 1,614,050 alleles (0.0012%); highest among the groups gnomAD compares: Non-Finnish European, 0.0017%; no homozygotes.

Submission:

Labcorp Genetics (formerly Invitae), Labcorp
Classification: Uncertain significance for Nephronophthisis 14. Last evaluated: 2021-08-26. Review status: criteria provided, single submitter. Criteria: Invitae Variant Classification Sherloc (09022015). Collection method: clinical testing. Allele origin: germline.
Comment: This sequence change replaces leucine with phenylalanine at codon 456 of the ZNF423 protein (p.Leu456Phe). The leucine residue is highly conserved and there is a small physicochemical difference between leucine and phenylalanine. This variant is not present in population databases (ExAC no frequency). This variant has not been reported in the literature in individuals affected with ZNF423-related conditions. Algorithms developed to predict the effect of missense changes on protein structure and function are either unavailable or do not agree on the potential impact of this missense change (SIFT: "Deleterious"; PolyPhen-2: "Probably Damaging"; Align-GVGD: "Class C0"). In summary, the available evidence is currently insufficient to determine the role of this variant in disease. Therefore, it has been classified as a Variant of Uncertain Significance.